The following is an entry in ClinVar:

NM_000059.4(BRCA2):c.3411dup (p.Gln1138fs)

Gene: BRCA2 (BRCA2 DNA repair associated; plus strand). Cytogenetic location: 13q13.1.
Variant type: Duplication.
Coding change: c.3411dup on transcript NM_000059.4 (MANE Select); coding-DNA position 3411, one base duplicated (G; older notation c.3411dupG).
Protein change: p.Gln1138fs; shifts the reading frame from glutamine 1138.
Molecular consequence: frameshift variant.
Genome position (GRCh38, 1-based): chr13:32,337,766, G duplicated. VCF-style (leftmost placement, unchanged base first): chr13-32337765-T-TG. GRCh37 (hg19) VCF-style: chr13-32911902-T-TG.
Other names: c.3411dupG (NM_000059.3); short protein forms Q1138fs.
Identifiers: ClinVar variation 141573 (VCV000141573.9), dbSNP rs587781850, ClinGen allele CA165831.

ClinVar aggregate classification (germline): Pathogenic. Review status: reviewed by expert panel (3 of 4 stars). 3 submissions from 3 submitters: Pathogenic (1). 2 of the submissions do not count toward it. Last evaluated 2016-09-08.

Conditions:
Hereditary cancer-predisposing syndrome. Also called: Neoplastic Syndromes, Hereditary; Hereditary Cancer Syndrome; Hereditary neoplastic syndrome; Tumor predisposition. Identifiers: Orphanet 140162, MedGen C0027672, MeSH D009386, MONDO:0015356.
Hereditary breast ovarian cancer syndrome. Also called: Hereditary breast and ovarian cancer syndrome; Hereditary breast and/or ovarian cancer syndrome; BRCA1- and BRCA2-Associated Hereditary Breast and Ovarian Cancer; Hereditary breast and ovarian cancer; Breast and ovarian cancer; Hereditary breast and ovarian cancer syndrome (HBOC). Identifiers: Orphanet 145, MedGen C0677776, MeSH D061325, MONDO:0003582. Disease mechanism: loss of function.
Breast-ovarian cancer, familial, susceptibility to, 2 (BROVCA2). Also called: BRCA2 Hereditary Breast and Ovarian Cancer. Identifiers: Orphanet 145, MedGen C2675520, MONDO:0012933, OMIM 612555. Disease mechanism: loss of function.

Submissions (3):

Evidence-based Network for the Interpretation of Germline Mutant Alleles (ENIGMA)
Classification: Pathogenic for Breast-ovarian cancer, familial, susceptibility to, 2. Last evaluated: 2016-09-08. Review status: reviewed by expert panel. Criteria: ENIGMA BRCA1/2 Classification Criteria (2015). Collection method: curation. Allele origin: germline.
Comment: Variant allele predicted to encode a truncated non-functional protein.

Labcorp Genetics (formerly Invitae), Labcorp
Classification: Pathogenic for Hereditary breast ovarian cancer syndrome. Last evaluated: 2025-12-17. Review status: criteria provided, single submitter. Criteria: Invitae Variant Classification Sherloc (09022015). Collection method: clinical testing. Allele origin: germline. Not counted in ClinVar's aggregate classification.
Comment: This sequence change creates a premature translational stop signal (p.Gln1138Alafs*6) in the BRCA2 gene. It is expected to result in an absent or disrupted protein product. Loss-of-function variants in BRCA2 are known to be pathogenic (PMID: 20104584). This variant is not present in population databases (gnomAD no frequency). This variant has not been reported in the literature in individuals affected with BRCA2-related conditions. ClinVar contains an entry for this variant (Variation ID: 141573). For these reasons, this variant has been classified as Pathogenic.

Ambry Genetics
Classification: Pathogenic for Hereditary cancer-predisposing syndrome. Last evaluated: 2017-03-31. Review status: criteria provided, single submitter. Criteria: Ambry Variant Classification Scheme 2023. Collection method: clinical testing. Allele origin: germline. Not counted in ClinVar's aggregate classification.
Comment: The c.3411dupG pathogenic mutation, located in coding exon 10 of the BRCA2 gene, results from a duplication of one nucleotide at position 3411, causing a translational frameshift with a predicted alternate stop codon (p.Q1138Afs*6). This alteration is expected to result in loss of function by premature protein truncation or nonsense-mediated mRNA decay. As such, this alteration is interpreted as a disease-causing mutation.

Literature cited by the submitters: PubMed 20104584 (cited by Labcorp Genetics (formerly Invitae), Labcorp).